The following is an entry in ClinVar:

ClinVar aggregate classification (germline): Uncertain significance (1 of 4 stars; one submission).

Allele frequency attached by ClinVar (database versions not stated): gnomAD 0.00003; TOPMed 0.00003.
gnomAD v4.1: 77 of 1,606,416 alleles (0.0048%); highest among the groups gnomAD compares: Non-Finnish European, 0.0065%; no homozygotes.

Submission:

Labcorp Genetics (formerly Invitae), Labcorp
Classification: Uncertain significance. Last evaluated: 2022-08-22. Review status: criteria provided, single submitter. Criteria: Invitae Variant Classification Sherloc (09022015). Collection method: clinical testing. Allele origin: germline.
Comment: In summary, the available evidence is currently insufficient to determine the role of this variant in disease. Therefore, it has been classified as a Variant of Uncertain Significance. Algorithms developed to predict the effect of missense changes on protein structure and function are either unavailable or do not agree on the potential impact of this missense change (SIFT: "Deleterious"; PolyPhen-2: "Possibly Damaging"; Align-GVGD: "Class C0"). This variant has not been reported in the literature in individuals affected with PIGU-related conditions. This variant is present in population databases (rs758714375, gnomAD 0.005%). This sequence change replaces valine, which is neutral and non-polar, with methionine, which is neutral and non-polar, at codon 433 of the PIGU protein (p.Val433Met).

NM_080476.5(PIGU):c.1297G>A (p.Val433Met)

Gene: PIGU (phosphatidylinositol glycan anchor biosynthesis class U; minus strand). Cytogenetic location: 20q11.22.
Variant type: single nucleotide variant.
Coding change: c.1297G>A on transcript NM_080476.5 (MANE Select); coding-DNA position 1297, G replaced by A.
Protein change: p.Val433Met; replaces valine 433 with methionine.
Molecular consequence: missense variant.
Genome position (GRCh38, 1-based): chr20:34,560,877, C>T on the plus strand (G>A on the coding strand, the complement: PIGU is on the minus strand). VCF-style: chr20-34560877-C-T. GRCh37 (hg19) VCF-style: chr20-33148681-C-T.
Other names: short protein forms V433M.
Identifiers: ClinVar variation 2044025 (VCV002044025.3), dbSNP rs758714375, ClinGen allele CA9822370.